The following is an entry in ClinVar:

ClinVar aggregate classification (germline): Uncertain significance (1 of 4 stars; one submission).

Conditions:
Syndromic multisystem autoimmune disease due to ITCH deficiency. Also called: AUTOIMMUNE DISEASE, MULTISYSTEM, WITH FACIAL DYSMORPHISM. Identifiers: Orphanet 228426, MedGen C3150649, MONDO:0013245, OMIM 613385.

Submission:

Labcorp Genetics (formerly Invitae), Labcorp
Classification: Uncertain significance for Syndromic multisystem autoimmune disease due to ITCH deficiency. Last evaluated: 2022-12-06. Review status: criteria provided, single submitter. Criteria: Invitae Variant Classification Sherloc (09022015). Collection method: clinical testing. Allele origin: germline.
Comment: In summary, the available evidence is currently insufficient to determine the role of this variant in disease. Therefore, it has been classified as a Variant of Uncertain Significance. Algorithms developed to predict the effect of missense changes on protein structure and function are either unavailable or do not agree on the potential impact of this missense change (SIFT: "Not Available"; PolyPhen-2: "Benign"; Align-GVGD: "Not Available"). ClinVar contains an entry for this variant (Variation ID: 1008185). This variant has not been reported in the literature in individuals affected with ITCH-related conditions. This variant is not present in population databases (gnomAD no frequency). This sequence change replaces methionine, which is neutral and non-polar, with isoleucine, which is neutral and non-polar, at codon 11 of the ITCH protein (p.Met11Ile).

NM_031483.7(ITCH):c.33G>A (p.Met11Ile)

Gene: ITCH (itchy E3 ubiquitin protein ligase; plus strand). Cytogenetic location: 20q11.22.
Variant type: single nucleotide variant.
Coding change: c.33G>A on transcript NM_031483.7 (MANE Select); coding-DNA position 33, G replaced by A.
Protein change: p.Met11Ile; replaces methionine 11 with isoleucine.
Molecular consequence: missense variant. On other transcripts: 5 prime UTR variant (1).
Genome position (GRCh38, 1-based): chr20:34,393,844, G>A. VCF-style: chr20-34393844-G-A. GRCh37 (hg19) VCF-style: chr20-32981650-G-A.
Other names: c.33G>A, p.Met11Ile (NM_001257137.3, NM_001324197.2, NM_001324198.2); c.-156G>A (NM_001257138.3); short protein forms M11I.
Identifiers: ClinVar variation 1008185 (VCV001008185.7), dbSNP rs567180261, ClinGen allele CA408660652.